The following is an entry in ClinVar:

NM_003126.4(SPTA1):c.5004A>G (p.Thr1668=)

Gene: SPTA1 (spectrin alpha, erythrocytic 1; minus strand). Cytogenetic location: 1q23.1.
Variant type: single nucleotide variant.
Coding change: c.5004A>G on transcript NM_003126.4 (MANE Select); coding-DNA position 5004, A replaced by G.
Protein change: p.Thr1668=; no amino-acid change (threonine 1668 retained).
Molecular consequence: synonymous variant.
Genome position (GRCh38, 1-based): chr1:158,638,218, T>C on the plus strand (A>G on the coding strand, the complement: SPTA1 is on the minus strand). VCF-style: chr1-158638218-T-C. GRCh37 (hg19) VCF-style: chr1-158608008-T-C.
Identifiers: ClinVar variation 292977 (VCV000292977.9), dbSNP rs768234604, ClinGen allele CA1182448.

ClinVar aggregate classification (germline): Conflicting classifications of pathogenicity. Review status: criteria provided, conflicting classifications (1 of 4 stars). 4 submissions from 2 submitters: Uncertain significance (3); Likely benign (1). Last evaluated 2026-03-01.

Conditions:
Hereditary spherocytosis type 3. Also called: SPTA1-Related Spherocytosis; Spherocytosis type 3. Identifiers: Orphanet 822, MedGen C2678338, MONDO:0010053, OMIM 270970.
Elliptocytosis 2 (EL2). Also called: ELLIPTOCYTOSIS, RHESUS-UNLINKED TYPE. Identifiers: Orphanet 288, MedGen C1851741, MONDO:0007533, OMIM 130600.
Pyropoikilocytosis, hereditary. Also called: Pyropoikilocytosis. Identifiers: MedGen C0520739, MONDO:0009948, OMIM 266140, HP:0004839. Disease mechanism: loss of function.

Allele frequency attached by ClinVar (database versions not stated): gnomAD 0.00005; TOPMed 0.00006; gnomAD exomes 0.00007 and 0.00008; ExAC 0.00008.
gnomAD v4.1: 110 of 1,612,964 alleles (0.0068%); highest among the groups gnomAD compares: Middle Eastern, 0.066%; no homozygotes.

Submissions (4):

CeGaT Center for Human Genetics Tuebingen
Classification: Likely benign. Last evaluated: 2026-03-01. Review status: criteria provided, single submitter. Criteria: CeGaT Center For Human Genetics Tuebingen Variant Classification Criteria Version 2. Collection method: clinical testing. Allele origin: germline. Affected: yes. Observed: 1 variant allele.
Comment: SPTA1: BP4, BP7

Illumina Laboratory Services, Illumina
Classification: Uncertain significance for Hereditary spherocytosis type 3. Last evaluated: 2018-01-13. Review status: criteria provided, single submitter. Criteria: ICSL Variant Classification Criteria 13 December 2019. Collection method: clinical testing. Allele origin: germline.

Illumina Laboratory Services, Illumina
Classification: Uncertain significance for Pyropoikilocytosis, hereditary. Last evaluated: 2018-01-13. Review status: criteria provided, single submitter. Criteria: ICSL Variant Classification Criteria 13 December 2019. Collection method: clinical testing. Allele origin: germline.

Illumina Laboratory Services, Illumina
Classification: Uncertain significance for Elliptocytosis 2. Last evaluated: 2018-01-13. Review status: criteria provided, single submitter. Criteria: ICSL Variant Classification Criteria 13 December 2019. Collection method: clinical testing. Allele origin: germline.